The following is an entry in ClinVar:

NM_001377.3(DYNC2H1):c.10100G>A (p.Arg3367His)

Gene: DYNC2H1 (dynein cytoplasmic 2 heavy chain 1; plus strand). Cytogenetic location: 11q22.3.
Variant type: single nucleotide variant.
Coding change: c.10100G>A on transcript NM_001377.3 (MANE Select); coding-DNA position 10100, G replaced by A.
Protein change: p.Arg3367His; replaces arginine 3367 with histidine.
Molecular consequence: missense variant.
Genome position (GRCh38, 1-based): chr11:103,253,342, G>A. VCF-style: chr11-103253342-G-A. GRCh37 (hg19) VCF-style: chr11-103124071-G-A.
Other names: c.10121G>A, p.Arg3374His (NM_001080463.2); short protein forms R3374H, R3367H.
Identifiers: ClinVar variation 369660 (VCV000369660.18), dbSNP rs759549373, ClinGen allele CA6254888.

ClinVar aggregate classification (germline): Conflicting classifications of pathogenicity. Review status: criteria provided, conflicting classifications (1 of 4 stars). 8 submissions from 8 submitters: Pathogenic (1); Likely pathogenic (2); Uncertain significance (3). 2 of the submissions do not count toward it. Last evaluated 2025-11-18.

Conditions:
DYNC2H1-related disorder. Also called: DYNC2H1-related disorders; DYNC2H1-related condition. Identifiers: MedGen CN378770.
Jeune thoracic dystrophy. Also called: Jeune syndrome; Infantile thoracic dystrophy; Thoracic pelvic phalangeal dystrophy; Jeune's syndrome; Chondroectodermal dysplasia-like syndrome; Short-rib thoracic dysplasia. Identifiers: Orphanet 474, MedGen C0265275, MONDO:0018770.
Intellectual disability. Also called: Intellectual functioning disability; intellectual disabilities; Intellectual developmental disorder. Identifiers: MedGen C3714756, MeSH D008607, MONDO:0001071, HP:0001249.
Asphyxiating thoracic dystrophy 3. Also called: Saldino-Noonan Syndrome; SHORT-RIB THORACIC DYSPLASIA 3 WITH OR WITHOUT POLYDACTYLY; POLYDACTYLY WITH NEONATAL CHONDRODYSTROPHY, TYPE I; SHORT-RIB THORACIC DYSPLASIA 3/6 WITH POLYDACTYLY, DIGENIC; Short rib polydactyly syndrome 2B. Identifiers: Orphanet 474, Orphanet 93269, Orphanet 93270, Orphanet 93271, MedGen C0036069, MONDO:0013127, OMIM 613091.

Allele frequency attached by ClinVar (database versions not stated): gnomAD 0.00003 and 0.00004; ExAC 0.00004; TOPMed 0.00005.
gnomAD v4.1: 55 of 1,612,988 alleles (0.0034%); highest among the groups gnomAD compares: Admixed American, 0.017%; no homozygotes.

Submissions (8):

Labcorp Genetics (formerly Invitae), Labcorp
Classification: Pathogenic for Jeune thoracic dystrophy. Last evaluated: 2025-11-18. Review status: criteria provided, single submitter. Criteria: Invitae Variant Classification Sherloc (09022015). Collection method: clinical testing. Allele origin: germline.
Comment: This sequence change replaces arginine, which is basic and polar, with histidine, which is basic and polar, at codon 3374 of the DYNC2H1 protein (p.Arg3374His). This variant is present in population databases (rs759549373, gnomAD 0.03%). This missense change has been observed in individual(s) with clinical features of Jeune syndrome (PMID: 26938784, 28832562, 29453417; internal data). In at least one individual the data is consistent with being in trans (on the opposite chromosome) from a pathogenic variant. ClinVar contains an entry for this variant (Variation ID: 369660). Invitae Evidence Modeling of protein sequence and biophysical properties (such as structural, functional, and spatial information, amino acid conservation, physicochemical variation, residue mobility, and thermodynamic stability) indicates that this missense variant is expected to disrupt DYNC2H1 protein function with a positive predictive value of 95%. This variant disrupts the p.Arg3374 amino acid residue in DYNC2H1. Other variant(s) that disrupt this residue have been observed in individuals with DYNC2H1-related conditions (PMID: 29068549), which suggests that this may be a clinically significant amino acid residue. For these reasons, this variant has been classified as Pathogenic.

Women's Health and Genetics/Laboratory Corporation of America, LabCorp
Classification: Uncertain significance. Last evaluated: 2025-05-22. Review status: criteria provided, single submitter. Criteria: LabCorp Variant Classification Summary - May 2015. Collection method: clinical testing. Allele origin: germline.
Comment: Variant summary: DYNC2H1 c.10121G>A (p.Arg3374His) results in a non-conservative amino acid change located in the Dynein heavy chain, tail (IPR013594) of the encoded protein sequence. Algorithms developed to predict the effect of missense changes on protein structure and function are either unavailable or do not agree on the potential impact of this missense change. The variant allele was found at a frequency of 6e-05 in 248894 control chromosomes. This frequency is not significantly higher than estimated for a pathogenic variant in DYNC2H1 causing Short-rib thoracic dysplasia (6e-05 vs 0.0025), allowing no conclusion about variant significance. c.10121G>A has been observed in individual(s) affected with Short-rib thoracic dysplasia (Stark_2016, internal_testing). These data indicate that the variant may be associated with disease. To our knowledge, no experimental evidence demonstrating an impact on protein function has been reported. The following publications have been ascertained in the context of this evaluation (PMID: 26938784, 30190612, 29453417). ClinVar contains an entry for this variant (Variation ID: 369660). Based on the evidence outlined above, the variant was classified as VUS-possibly pathogenic.

GeneDx
Classification: Uncertain significance. Last evaluated: 2024-12-10. Review status: criteria provided, single submitter. Criteria: GeneDx Variant Classification Process June 2021. Collection method: clinical testing. Allele origin: germline. Affected: yes.
Comment: In silico analysis supports that this missense variant has a deleterious effect on protein structure/function; This variant is associated with the following publications: (PMID: 34426522, 31589614, 30190612, 28832562, 29453417, 26938784)

Blueprint Genetics
Classification: Uncertain significance. Last evaluated: 2022-09-23. Review status: criteria provided, single submitter. Criteria: ACMG Guidelines, 2015. Collection method: clinical testing. Allele origin: germline.

Victorian Clinical Genetics Services, Murdoch Childrens Research Institute
Classification: Likely pathogenic for Asphyxiating thoracic dystrophy 3. Last evaluated: 2014-07-11. Review status: criteria provided, single submitter. Criteria: ACMG Guidelines, 2015. Collection method: clinical testing. Allele origin: maternal. Inheritance: Autosomal recessive inheritance. Affected: yes. Observed: 2 variant alleles.
Comment: This substitution is predicted to create a change of an arginine to a histidine at amino acid position 3374, NP_001073932.1(DYNC2H1): p.Arg3374His). The arginine at this position is highly conserved and is located in the ATP-binding dynein motor region D5. In-silico software predicts this variant to be disease-causing. this is a novel variant not present in disease or population databases.

Juno Genomics, Hangzhou Juno Genomics, Inc
Classification: Likely pathogenic for Asphyxiating thoracic dystrophy 3. Review status: criteria provided, single submitter. Criteria: ACMG Guidelines, 2015. Collection method: clinical testing. Allele origin: germline. Affected: yes.
Comment: Absent from controls (or at extremely low frequency if recessive) in Genome Aggregation Database, Exome Sequencing Project, 1000 Genomes Project, or Exome Aggregation Consortium.;For recessive disorders, detected in trans with a pathogenic variant.;Patient's phenotype or family history is highly specific for a disease with a single genetic etiology.

PreventionGenetics, part of Exact Sciences
Classification: Likely pathogenic for DYNC2H1-related condition. Last evaluated: 2024-09-19. Review status: no assertion criteria provided. Collection method: clinical testing. Allele origin: germline. Not counted in ClinVar's aggregate classification.
Comment: The DYNC2H1 c.10121G>A variant is predicted to result in the amino acid substitution p.Arg3374His. This variant was observed in the confirmed compound heterozygous state in a patient with short ribs, bell-shaped chest, and skeletal dysplasia (Supplementary Table 1, Dillon et al. 2018. PubMed ID: 29453417). This variant is reported in 0.028% of alleles in individuals of Latino descent in gnomAD. In addition, another missense variant at the same residue resulting in a different amino acid change, p.Arg3374Cys, was reported along with a second pathogenic variant in a patient with asphyxiating thoracic dystrophy (Table S2, Zhang et al. 2018. PubMed ID: 29068549). Taken together, the c.10121G>A (p.Arg3374His) variant is interpreted as likely pathogenic.

Centre de Biologie Pathologie Génétique, Centre Hospitalier Universitaire de Lille
Classification: Likely benign for Intellectual disability. Last evaluated: 2019-01-01. Review status: flagged submission. Collection method: clinical testing. Allele origin: inherited. Affected: yes. Not counted in ClinVar's aggregate classification.
ClinVar note: Reason: Outlier claim with insufficient supporting evidence

Literature cited by the submitters: PubMed 26938784 (cited by 3 submitters); PubMed 28832562 (cited by Labcorp Genetics (formerly Invitae), Labcorp); PubMed 29453417 (cited by Labcorp Genetics (formerly Invitae), Labcorp and Women's Health and Genetics/Laboratory Corporation of America, LabCorp); PubMed 29068549 (cited by Labcorp Genetics (formerly Invitae), Labcorp); PubMed 30190612 (cited by Women's Health and Genetics/Laboratory Corporation of America, LabCorp).